The following is an entry in ClinVar:

ClinVar aggregate classification (germline): Likely benign (0 of 4 stars; one submission).

Conditions:
NF1-related disorder. Also called: NF1-related condition. Identifiers: MedGen CN379171.

Submission:

PreventionGenetics, part of Exact Sciences
Classification: Likely benign for NF1-related condition. Last evaluated: 2023-06-15. Review status: no assertion criteria provided. Collection method: clinical testing. Allele origin: germline.
Comment: This variant is classified as likely benign based on ACMG/AMP sequence variant interpretation guidelines (Richards et al. 2015 PMID: 25741868, with internal and published modifications).

NM_001042492.3(NF1):c.3198-16_3198-4del

Gene: NF1 (neurofibromin 1; plus strand). Cytogenetic location: 17q11.2.
Variant type: Deletion.
Coding change: c.3198-16_3198-4del on transcript NM_001042492.3 (MANE Select); 16 bases into the intron before coding-DNA position 3198 through 4 bases into the intron before coding-DNA position 3198, 13 bases deleted (TTTTTTTTTTTTT).
Molecular consequence: intron variant.
Genome position (GRCh38, 1-based): chr17:31,232,057-31,232,069, TTTTTTTTTTTTT deleted; deleting any 13 consecutive bases within chr17:31,232,044-31,232,069 gives the same sequence; the c. name uses the placement nearest the transcript's 3' end. VCF-style (leftmost placement, unchanged base first): chr17-31232043-ATTTTTTTTTTTTT-A. GRCh37 (hg19) VCF-style: chr17-29559061-ATTTTTTTTTTTTT-A.
Other names: c.3198-16_3198-4del (NM_000267.4).
Identifiers: ClinVar variation 3045698 (VCV003045698.2), dbSNP rs371047262, ClinGen allele CA8486119.